The following is an entry in ClinVar:

NM_017849.4(TMEM127):c.133T>A (p.Cys45Ser)

Gene: TMEM127 (transmembrane protein 127; minus strand). Cytogenetic location: 2q11.2.
Variant type: single nucleotide variant.
Coding change: c.133T>A on transcript NM_017849.4 (MANE Select); coding-DNA position 133, T replaced by A.
Protein change: p.Cys45Ser; replaces cysteine 45 with serine.
Molecular consequence: missense variant.
Genome position (GRCh38, 1-based): chr2:96,265,249, A>T on the plus strand (T>A on the coding strand, the complement: TMEM127 is on the minus strand). VCF-style: chr2-96265249-A-T. GRCh37 (hg19) VCF-style: chr2-96930987-A-T.
Other names: c.133T>A, p.Cys45Ser (NM_001193304.3); short protein forms C45S.
Identifiers: ClinVar variation 463837 (VCV000463837.18), dbSNP rs995979769, ClinGen allele CA52419092.

ClinVar aggregate classification (germline): Uncertain significance. Review status: criteria provided, multiple submitters, no conflicts (2 of 4 stars). 5 submissions from 5 submitters: Uncertain significance (5). Last evaluated 2025-12-10.

Conditions:
Hereditary cancer-predisposing syndrome. Also called: Neoplastic Syndromes, Hereditary; Hereditary neoplastic syndrome; Tumor predisposition; Hereditary Cancer Syndrome. Identifiers: Orphanet 140162, MedGen C0027672, MeSH D009386, MONDO:0015356.
Hereditary pheochromocytoma and paraganglioma. Also called: Hereditary Paraganglioma-Pheochromocytoma Syndromes; Hereditary paragangliomas and pheochromocytomas; Hereditary pheochromocytoma-paraganglioma. Identifiers: Orphanet 29072, MedGen C4274332, MONDO:0017366.
Pheochromocytoma. Also called: MAX-Related Hereditary Paraganglioma-Pheochromocytoma Syndrome. Identifiers: Orphanet 29072, MedGen C0031511, MONDO:0008233, OMIM 171300, HP:0002666.

Allele frequency attached by ClinVar (database versions not stated): gnomAD 0.00001; gnomAD exomes 0.00002; TOPMed 0.00003.
gnomAD v4.1: 29 of 1,594,012 alleles (0.0018%); highest among the groups gnomAD compares: Non-Finnish European, 0.0023%; no homozygotes.

Submissions (5):

Labcorp Genetics (formerly Invitae), Labcorp
Classification: Uncertain significance for Hereditary pheochromocytoma and paraganglioma. Last evaluated: 2025-12-10. Review status: criteria provided, single submitter. Criteria: Invitae Variant Classification Sherloc (09022015). Collection method: clinical testing. Allele origin: germline.
Comment: This sequence change replaces cysteine, which is neutral and slightly polar, with serine, which is neutral and polar, at codon 45 of the TMEM127 protein (p.Cys45Ser). This variant is present in population databases (no rsID available, gnomAD 0.004%). This variant has not been reported in the literature in individuals affected with TMEM127-related conditions. ClinVar contains an entry for this variant (Variation ID: 463837). An algorithm developed to predict the effect of missense changes on protein structure and function (PolyPhen-2) suggests that this variant is likely to be tolerated. In summary, the available evidence is currently insufficient to determine the role of this variant in disease. Therefore, it has been classified as a Variant of Uncertain Significance.

Quest Diagnostics Nichols Institute San Juan Capistrano
Classification: Uncertain significance. Last evaluated: 2024-09-02. Review status: criteria provided, single submitter. Criteria: Quest Diagnostics criteria. Collection method: clinical testing. Allele origin: unknown.
Comment: The TMEM127 c.133T>A (p.Cys45Ser) variant has not been reported in individuals with TMEM127-related conditions in the published literature. The frequency of this variant in the general population, 0.000042 (4/94296 chromosomes (Genome Aggregation Database)), is uninformative in the assessment of its pathogenicity. Analysis of this variant using bioinformatics tools for the prediction of the effect of amino acid changes on protein structure and function yielded conflicting predictions that this variant is deleterious or benign. Based on the available information, we are unable to determine the clinical significance of this variant.

Ambry Genetics
Classification: Uncertain significance for Hereditary cancer-predisposing syndrome. Last evaluated: 2024-03-22. Review status: criteria provided, single submitter. Criteria: Ambry Variant Classification Scheme 2023. Collection method: clinical testing. Allele origin: germline.
Comment: The p.C45S variant (also known as c.133T>A), located in coding exon 1 of the TMEM127 gene, results from a T to A substitution at nucleotide position 133. The cysteine at codon 45 is replaced by serine, an amino acid with dissimilar properties. This amino acid position is highly conserved in available vertebrate species. In addition, the in silico prediction for this alteration is inconclusive. Since supporting evidence is limited at this time, the clinical significance of this alteration remains unclear.

Baylor Genetics
Classification: Uncertain significance for Pheochromocytoma. Last evaluated: 2024-01-19. Review status: criteria provided, single submitter. Criteria: ACMG Guidelines, 2015. Collection method: clinical testing. Allele origin: unknown.

ARUP Laboratories, Molecular Genetics and Genomics, ARUP Laboratories
Classification: Uncertain significance for Pheochromocytoma. Last evaluated: 2022-03-23. Review status: criteria provided, single submitter. Criteria: ARUP Molecular Germline Variant Investigation Process 2021. Collection method: clinical testing. Allele origin: germline.
Comment: The TMEM127 c.133T>A; p.Cys45Ser variant (rs995979769), to our knowledge, is not reported in the medical literature but is reported in ClinVar (Variation ID: 463837). This variant is found in the non-Finnish European population with an allele frequency of 0.004% (4/13150 alleles) in the Genome Aggregation Database. The cysteine at codon 45 is moderately conserved, and computational analyses are uncertain whether this variant is neutral or deleterious (REVEL: 0.59). However, given the lack of clinical and functional data, the significance of the p.Cys45Ser variant is uncertain at this time.